The following is an entry in ClinVar:

ClinVar aggregate classification (germline): Uncertain significance (1 of 4 stars; one submission).

Conditions:
Retinitis pigmentosa 26 (RP26). Identifiers: Orphanet 791, MedGen C1842127, MONDO:0012024, OMIM 608380.

Submission:

Myriad Genetics, Inc.
Classification: Uncertain significance for Retinitis pigmentosa 26. Last evaluated: 2026-01-27. Review status: criteria provided, single submitter. Criteria: Myriad Autosomal Dominant, Autosomal Recessive and X-Linked Classification Criteria (2023). Collection method: clinical testing. Allele origin: unknown.
Comment: NM_001030311.2(CERKL):c.1152-1G>A is a variant in a canonical splice site classified as a variant of uncertain significance in the context of retinitis pigmentosa, CERKL-related. c.1152-1G>A has not been observed in cases with relevant disease. Relevant functional assessments of this variant are not available in the literature. c.1152-1G>A has not been observed in referenced population frequency databases. In summary, there is insufficient evidence to classify NM_001030311.2(CERKL):c.1152-1G>A as pathogenic or benign. Please note: this variant was assessed in the context of healthy population screening.

NM_201548.5(CERKL):c.1074-1G>A

Gene: CERKL (CERK like autophagy regulator; minus strand). Cytogenetic location: 2q31.3.
Variant type: single nucleotide variant.
Coding change: c.1074-1G>A on transcript NM_201548.5 (MANE Select); the canonical splice acceptor site of the intron before coding-DNA position 1074, G replaced by A.
Molecular consequence: splice acceptor variant.
Genome position (GRCh38, 1-based): chr2:181,548,605, C>T on the plus strand (G>A on the coding strand, the complement: CERKL is on the minus strand). VCF-style: chr2-181548605-C-T. GRCh37 (hg19) VCF-style: chr2-182413332-C-T.
Other names: c.735-1G>A (NM_001030312.3); c.1020-1G>A (NM_001160277.2); c.867-1G>A (NM_001030313.3); c.1152-1G>A (NM_001030311.3).
Identifiers: ClinVar variation 5003681 (VCV005003681.1).
Genomic context (GRCh38, chr2:181,548,605, plus strand): 5'-CTTTCTTGCACATCATCAGAGCTGTTAAATGGTAAAAATGATATTTCACAGTCTTCTGCC[C>T]TAAAATGTAATGAAATTTGTTATTAACAGTCATTGAACCTGGGATACAATTTTTGGTTTA-3'